The following is an entry in ClinVar:

ClinVar aggregate classification (germline): Benign/Likely benign. Review status: criteria provided, multiple submitters, no conflicts (2 of 4 stars). 3 submissions from 3 submitters: Benign (1); Likely benign (1). 1 of the submissions does not count toward it. Last evaluated 2025-03-30.

Conditions:
KRT6B-related disorder. Also called: KRT6B-related condition.

Allele frequency attached by ClinVar (database versions not stated): gnomAD exomes 0.00054 and 0.00088; ExAC 0.00107; gnomAD 0.00156 and 0.00158; TOPMed 0.00175; ESP Exome Variant Server 0.00185; 1000 Genomes Project 30x 0.00187; 1000 Genomes Project 0.00200.
gnomAD v4.1: 1,024 of 1,614,194 alleles (0.063%); highest among the groups gnomAD compares: African/African-American, 0.5%; 6 homozygotes.

Submissions (3):

Labcorp Genetics (formerly Invitae), Labcorp
Classification: Benign. Last evaluated: 2025-03-30. Review status: criteria provided, single submitter. Criteria: Invitae Variant Classification Sherloc (09022015). Collection method: clinical testing. Allele origin: germline.

Blueprint Genetics
Classification: Likely benign. Last evaluated: 2024-10-22. Review status: criteria provided, single submitter. Criteria: ACMG Guidelines, 2015. Collection method: clinical testing. Allele origin: germline.

PreventionGenetics, part of Exact Sciences
Classification: Benign for KRT6B-related condition. Last evaluated: 2020-09-29. Review status: no assertion criteria provided. Collection method: clinical testing. Allele origin: germline. Not counted in ClinVar's aggregate classification.
Comment: This variant is classified as benign based on ACMG/AMP sequence variant interpretation guidelines (Richards et al. 2015 PMID: 25741868, with internal and published modifications).

NM_005555.4(KRT6B):c.1396C>T (p.Arg466Cys)

Gene: KRT6B (keratin 6B; minus strand). Cytogenetic location: 12q13.13.
Variant type: single nucleotide variant.
Coding change: c.1396C>T on transcript NM_005555.4 (MANE Select); coding-DNA position 1396, C replaced by T.
Protein change: p.Arg466Cys; replaces arginine 466 with cysteine.
Molecular consequence: missense variant.
Genome position (GRCh38, 1-based): chr12:52,447,806, G>A on the plus strand (C>T on the coding strand, the complement: KRT6B is on the minus strand). VCF-style: chr12-52447806-G-A. GRCh37 (hg19) VCF-style: chr12-52841590-G-A.
Other names: c.1396C>T (NM_005555.3); short protein forms R466C.
Identifiers: ClinVar variation 1645163 (VCV001645163.11), dbSNP rs138479175, ClinGen allele CA6580425.